The following is an entry in ClinVar:

ClinVar aggregate classification (germline): Uncertain significance (1 of 4 stars; one submission).

Conditions:
Hereditary cancer-predisposing syndrome. Also called: Hereditary neoplastic syndrome; Neoplastic Syndromes, Hereditary; Tumor predisposition; Hereditary Cancer Syndrome. Identifiers: Orphanet 140162, MedGen C0027672, MeSH D009386, MONDO:0015356.

Submission:

Ambry Genetics
Classification: Uncertain significance for Hereditary cancer-predisposing syndrome. Last evaluated: 2025-08-27. Review status: criteria provided, single submitter. Criteria: Ambry Variant Classification Scheme 2023. Collection method: clinical testing. Allele origin: germline.
Comment: The p.N545T variant (also known as c.1634A>C), located in coding exon 16 of the MUTYH gene, results from an A to C substitution at nucleotide position 1634. The asparagine at codon 545 is replaced by threonine, an amino acid with similar properties. This amino acid position is conserved. In addition, this alteration is predicted to be tolerated by in silico analysis. Based on the available evidence, the clinical significance of this variant remains unclear.

NM_001048174.2(MUTYH):c.1550A>C (p.Asn517Thr)

Gene: MUTYH (mutY DNA glycosylase; minus strand). Cytogenetic location: 1p34.1.
Variant type: single nucleotide variant.
Coding change: c.1550A>C on transcript NM_001048174.2 (MANE Select); coding-DNA position 1550, A replaced by C.
Protein change: p.Asn517Thr; replaces asparagine 517 with threonine.
Molecular consequence: missense variant. On other transcripts: non-coding transcript variant (7).
Genome position (GRCh38, 1-based): chr1:45,329,322, T>G on the plus strand (A>C on the coding strand, the complement: MUTYH is on the minus strand). VCF-style: chr1-45329322-T-G. GRCh37 (hg19) VCF-style: chr1-45794994-T-G.
Other names: c.1550A>C, p.Asn517Thr (NM_001407081.1, NM_001407088.1, NM_001407089.1 and 6 more transcripts); c.1205A>C, p.Asn402Thr (NM_001407082.1, NM_001350650.2, NM_001350651.2); c.1592A>C, p.Asn531Thr (NM_001407083.1, NM_001407085.1); c.1553A>C, p.Asn518Thr (NM_001407086.1, NM_001048172.2, NM_001407071.1 and 1 more transcripts); c.1571A>C, p.Asn524Thr (NM_001407087.1); c.1274A>C, p.Asn425Thr (NM_001407091.1, NM_001293192.2, NM_001293196.2); c.1625A>C, p.Asn542Thr (NM_012222.3); c.1634A>C, p.Asn545Thr (NM_001128425.2); and 5 more; short protein forms N402T, N517T, N518T, N542T, N545T, N425T, N504T, N524T.
Identifiers: ClinVar variation 4113474 (VCV004113474.1).
Genomic context (GRCh38, chr1:45,329,322, plus strand): 5'-TTACTAACAACAGGATTCTCAGGGAATGGGGGCTTTCAGAGGTGTCACTGGGCTGCACTG[T>G]TGAGGCTGTGTGCATCAGTGGAGATGTGAGACCGAAAGAAATTATCCAGGACTTGCTGGC-3'
Protein context (NP_001041639.1, residues 507-521): SHISTDAHSL[Asn517Thr]SAAQ